The following is an entry in ClinVar:

NC_000023.11:g.73852757G>C

Gene: XIST (X inactive specific transcript; minus strand). Cytogenetic location: Xq13.2.
Variant type: single nucleotide variant.
Genome position: GRCh38 VCF-style: chrX-73852757-G-C. GRCh37 (hg19) VCF-style: chrX-73072592-G-C.
Other names: C-G, -43.
Identifiers: ClinVar variation 9779 (VCV000009779.10), dbSNP rs773396320, ClinGen allele CA10454106.
Genomic context (GRCh38, chrX:73,852,757, plus strand): 5'-CGAGAGAGTAAGAAATATGGCTGCAGCAGCGAATTGCAGCGCTTTAAGAACTGAAGGGGG[G>C]GCTGAGGGCGGAGAGAGCATAAGAGGCGTGGCCTAGAAGATTGAAAGCCGGACATCTTTG-3'

ClinVar aggregate classification (germline): Likely pathogenic. Review status: criteria provided, single submitter (1 of 4 stars). 2 submissions from 2 submitters: Likely pathogenic (1). 1 of the submissions does not count toward it. Last evaluated 2026-06-01.

Conditions:
X inactivation, familial skewed, 1 (SXI1). Identifiers: MedGen C1848138, MONDO:0026404, OMIM 300087.

Allele frequency attached by ClinVar (database versions not stated): 1000 Genomes Project 0.00053; 1000 Genomes Project 30x 0.00062.

Submissions (2):

CeGaT Center for Human Genetics Tuebingen
Classification: Likely pathogenic. Last evaluated: 2026-06-01. Review status: criteria provided, single submitter. Criteria: CeGaT Center For Human Genetics Tuebingen Variant Classification Criteria Version 2. Collection method: clinical testing. Allele origin: germline. Affected: yes. Observed: 2 variant alleles.
Comment: XIST: PP1:Strong, PM2, PS3:Supporting

OMIM
Classification: Pathogenic for X INACTIVATION, FAMILIAL SKEWED, 1. Last evaluated: 1997-11-01. Review status: no assertion criteria provided. Collection method: literature only. Allele origin: germline. Not counted in ClinVar's aggregate classification.

Literature cited by the submitters: PubMed 9354806 (cited by OMIM); PubMed 8825575 (cited by OMIM).